The following is an entry in ClinVar:

NM_007294.4(BRCA1):c.688G>T (p.Glu230Ter)

Gene: BRCA1 (BRCA1 DNA repair associated; minus strand). Cytogenetic location: 17q21.31.
Variant type: single nucleotide variant.
Coding change: c.688G>T on transcript NM_007294.4 (MANE Select); coding-DNA position 688, G replaced by T.
Protein change: p.Glu230Ter; replaces glutamic acid 230 with a stop codon.
Molecular consequence: nonsense. On other transcripts: non-coding transcript variant (1).
Genome position (GRCh38, 1-based): chr17:43,094,843, C>A on the plus strand (G>T on the coding strand, the complement: BRCA1 is on the minus strand). VCF-style: chr17-43094843-C-A. GRCh37 (hg19) VCF-style: chr17-41246860-C-A.
Other names: c.475G>T, p.Glu159Ter (NM_001407571.1, NM_001407853.1, NM_001407894.1 and 12 more transcripts); c.688G>T, p.Glu230Ter (NM_001407581.1, NM_001407582.1, NM_001407583.1 and 54 more transcripts); c.685G>T, p.Glu229Ter (NM_001407587.1, NM_001407590.1, NM_001407591.1 and 38 more transcripts); c.679G>T, p.Glu227Ter (NM_001407646.1, NM_001407647.1, NM_001408408.1); c.565G>T, p.Glu189Ter (NM_001407648.1, NM_001407664.1, NM_001407665.1 and 34 more transcripts); c.562G>T, p.Glu188Ter (NM_001407649.1, NM_001407670.1, NM_001407671.1 and 20 more transcripts); c.610G>T, p.Glu204Ter (NM_001407653.1, NM_001407654.1, NM_001407655.1 and 9 more transcripts); c.607G>T, p.Glu203Ter (NM_001407659.1, NM_001407660.1, NM_001407661.1 and 3 more transcripts); and 14 more; short protein forms E230*, E183*, E102*, E103*, E163*, E188*, E118*, E162*.
Identifiers: ClinVar variation 491185 (VCV000491185.8), dbSNP rs1555593310, ClinGen allele CA10600711.

ClinVar aggregate classification (germline): Pathogenic/Likely pathogenic. Review status: criteria provided, multiple submitters, no conflicts (2 of 4 stars). 3 submissions from 3 submitters: Pathogenic (2); Likely pathogenic (1). Last evaluated 2021-02-24.

Conditions:
Hereditary cancer-predisposing syndrome. Also called: Hereditary Cancer Syndrome; Neoplastic Syndromes, Hereditary; Tumor predisposition; Hereditary neoplastic syndrome. Identifiers: Orphanet 140162, MedGen C0027672, MeSH D009386, MONDO:0015356.

Submissions (3):

Ambry Genetics
Classification: Pathogenic for Hereditary cancer-predisposing syndrome. Last evaluated: 2021-02-24. Review status: criteria provided, single submitter. Criteria: Ambry Variant Classification Scheme 2023. Collection method: clinical testing. Allele origin: germline.
Comment: The p.E230* pathogenic mutation (also known as c.688G>T), located in coding exon 9 of the BRCA1 gene, results from a G to T substitution at nucleotide position 688. This changes the amino acid from a glutamic acid to a stop codon within coding exon 9. This variant was detected as a secondary finding in 1 out of 572 ClinSeq participants, unselected for personal or family history of cancer, who underwent exome sequencing; however, the clinical information for this particular individual was not provided (Johnston JJ et al. Am J Hum Genet, 2012 Jul;91:97-108). This alteration is expected to result in loss of function by premature protein truncation or nonsense-mediated mRNA decay. As such, this alteration is interpreted as a disease-causing mutation.

Color Diagnostics, LLC DBA Color Health
Classification: Pathogenic for Hereditary cancer-predisposing syndrome. Last evaluated: 2020-11-09. Review status: criteria provided, single submitter. Criteria: ACMG Guidelines, 2015. Collection method: clinical testing. Allele origin: germline.
Comment: This variant changes 1 nucleotide in exon 10 of the BRCA1 gene, creating a premature translation stop signal. This variant is expected to result in an absent or non-functional protein product. To our knowledge, functional studies have not been reported for this variant. This variant has not been identified in the general population by the Genome Aggregation Database (gnomAD). Loss of BRCA1 function is a known mechanism of disease. Based on the available evidence, this variant is classified as Pathogenic.

Quest Diagnostics Nichols Institute San Juan Capistrano
Classification: Likely pathogenic. Last evaluated: 2018-01-12. Review status: criteria provided, single submitter. Criteria: Quest Diagnostics criteria. Collection method: clinical testing. Allele origin: germline.